The following is an entry in ClinVar:

ClinVar aggregate classification (germline): Pathogenic (1 of 4 stars; one submission).

Conditions:
Medium-chain acyl-coenzyme A dehydrogenase deficiency (ACADMD). Also called: CARNITINE DEFICIENCY SECONDARY TO MEDIUM-CHAIN ACYL-CoA DEHYDROGENASE DEFICIENCY; Medium chain acyl-CoA dehydrogenase deficiency; MCADD; MCADH DEFICIENCY; MCAD Deficiency; ACADM DEFICIENCY. Identifiers: Orphanet 42, MedGen C0220710, MONDO:0008721, OMIM 201450.

Submission:

Labcorp Genetics (formerly Invitae), Labcorp
Classification: Pathogenic for Medium-chain acyl-coenzyme A dehydrogenase deficiency. Last evaluated: 2019-01-28. Review status: criteria provided, single submitter. Criteria: Invitae Variant Classification Sherloc (09022015). Collection method: clinical testing. Allele origin: germline.
Comment: This variant is a gross deletion of the genomic region encompassing exons 1-10 of the ACADM gene, which includes the initiator codon. The 5' end of this event is unknown as it extends beyond the assayed region for this gene and therefore may encompass additional genes. The 3' boundary is likely confined to intron 10 of the ACADM gene. This is expected to result in an absent or disrupted protein product. This variant has not been reported in the literature in individuals with ACADM-related conditions. Loss-of-function variants in ACADM are known to be pathogenic (PMID: 16121256, 20434380). For these reasons, this variant has been classified as Pathogenic.

NC_000001.11:g.(?_75724778)_(75750556_?)del

Gene: ACADM (acyl-CoA dehydrogenase medium chain; plus strand). Cytogenetic location: 1p31.1.
Variant type: Deletion.
Identifiers: ClinVar variation 833092 (VCV000833092.1).